The following is an entry in ClinVar:

ClinVar aggregate classification (germline): Uncertain significance (1 of 4 stars; one submission).

Submission:

Labcorp Genetics (formerly Invitae), Labcorp
Classification: Uncertain significance. Last evaluated: 2024-08-28. Review status: criteria provided, single submitter. Criteria: Invitae Variant Classification Sherloc (09022015). Collection method: clinical testing. Allele origin: germline.
Comment: This sequence change replaces glutamic acid, which is acidic and polar, with aspartic acid, which is acidic and polar, at codon 1691 of the PIEZO2 protein (p.Glu1691Asp). This variant is not present in population databases (gnomAD no frequency). This variant has not been reported in the literature in individuals affected with PIEZO2-related conditions. Invitae Evidence Modeling of protein sequence and biophysical properties (such as structural, functional, and spatial information, amino acid conservation, physicochemical variation, residue mobility, and thermodynamic stability) indicates that this missense variant is not expected to disrupt PIEZO2 protein function with a negative predictive value of 80%. In summary, the available evidence is currently insufficient to determine the role of this variant in disease. Therefore, it has been classified as a Variant of Uncertain Significance.

NM_001378183.1(PIEZO2):c.5247A>T (p.Glu1749Asp)

Gene: PIEZO2 (piezo type mechanosensitive ion channel component 2; minus strand). Cytogenetic location: 18p11.22.
Variant type: single nucleotide variant.
Coding change: c.5247A>T on transcript NM_001378183.1 (MANE Select); coding-DNA position 5247, A replaced by T.
Protein change: p.Glu1749Asp; replaces glutamic acid 1749 with aspartic acid.
Molecular consequence: missense variant.
Genome position (GRCh38, 1-based): chr18:10,715,659, T>A on the plus strand (A>T on the coding strand, the complement: PIEZO2 is on the minus strand). VCF-style: chr18-10715659-T-A. GRCh37 (hg19) VCF-style: chr18-10715657-T-A.
Other names: c.5148A>T, p.Glu1716Asp (NM_001410871.1); c.5073A>T, p.Glu1691Asp (NM_022068.4); short protein forms E1716D, E1691D, E1749D.
Identifiers: ClinVar variation 3663591 (VCV003663591.2).
Genomic context (GRCh38, chr18:10,715,659, plus strand): 5'-ATGTCTTCTTAATGTGGGAAGGAGCAAAAAGAATTACACCAGCAGTGTTACCTTCTTAAT[T>A]TCTCTGGTCAGCATGCATCGTTCAATTCTCAGAACTGTAGATATATCAATATGCTCCCTT-3'
Protein context (NP_001365112.1, residues 1739-1759): LRIERCMLTR[Glu1749Asp]IKKGNVPTRE